The following is an entry in ClinVar:

ClinVar aggregate classification (germline): Uncertain significance. Review status: criteria provided, multiple submitters, no conflicts (2 of 4 stars). 2 submissions from 2 submitters: Uncertain significance (2). Last evaluated 2026-07-12.

Conditions:
OPA1-related disorder. Also called: OPA1-related disorders; OPA1-related condition.

Submissions (2):

PreventionGenetics, part of Exact Sciences
Classification: Uncertain significance for OPA1-related condition. Last evaluated: 2026-07-12. Review status: criteria provided, single submitter. Criteria: ACMG Guidelines, 2015. Collection method: clinical testing. Allele origin: germline.
Comment: The OPA1 c.2327G>A variant is predicted to result in the amino acid substitution p.Ser776Asn. In the more commonly reported transcript (NM_015560), this variant is referred to as c.2162G>A (p.Ser721Asn). To our knowledge, this variant has not been reported in the literature or in a large population database (gnomAD), indicating this variant is rare. At this time, the clinical significance of this variant is uncertain due to the absence of conclusive functional and genetic evidence.

Labcorp Genetics (formerly Invitae), Labcorp
Classification: Uncertain significance. Last evaluated: 2025-11-27. Review status: criteria provided, single submitter. Criteria: Invitae Variant Classification Sherloc (09022015). Collection method: clinical testing. Allele origin: germline.
Comment: This sequence change replaces serine, which is neutral and polar, with asparagine, which is neutral and polar, at codon 721 of the OPA1 protein (p.Ser721Asn). This variant is not present in population databases (gnomAD no frequency). This variant has not been reported in the literature in individuals affected with OPA1-related conditions. ClinVar contains an entry for this variant (Variation ID: 2964811). Invitae Evidence Modeling of protein sequence and biophysical properties (such as structural, functional, and spatial information, amino acid conservation, physicochemical variation, residue mobility, and thermodynamic stability) indicates that this missense variant is not expected to disrupt OPA1 protein function with a negative predictive value of 80%. In summary, the available evidence is currently insufficient to determine the role of this variant in disease. Therefore, it has been classified as a Variant of Uncertain Significance.

NM_130837.3(OPA1):c.2327G>A (p.Ser776Asn)

Gene: OPA1 (OPA1 mitochondrial dynamin like GTPase; plus strand). Cytogenetic location: 3q29.
Variant type: single nucleotide variant.
Coding change: c.2327G>A on transcript NM_130837.3 (MANE Select); coding-DNA position 2327, G replaced by A.
Protein change: p.Ser776Asn; replaces serine 776 with asparagine.
Molecular consequence: missense variant.
Genome position (GRCh38, 1-based): chr3:193,657,228, G>A. VCF-style: chr3-193657228-G-A. GRCh37 (hg19) VCF-style: chr3-193375017-G-A.
Other names: c.1793G>A, p.Ser598Asn (NM_001354663.2); c.1790G>A, p.Ser597Asn (NM_001354664.2); c.2162G>A, p.Ser721Asn (NM_015560.3); c.2054G>A, p.Ser685Asn (NM_130831.3); c.2108G>A, p.Ser703Asn (NM_130832.3); c.2165G>A, p.Ser722Asn (NM_130833.3); c.2216G>A, p.Ser739Asn (NM_130834.3); c.2219G>A, p.Ser740Asn (NM_130835.3); and 1 more; short protein forms S721N, S776N, S722N, S740N, S598N, S685N, S703N, S597N.
Identifiers: ClinVar variation 2964811 (VCV002964811.4), dbSNP rs1714069083, ClinGen allele CA355791702.